The following is an entry in ClinVar:

ClinVar aggregate classification (germline): Pathogenic/Likely pathogenic. Review status: criteria provided, multiple submitters, no conflicts (2 of 4 stars). 2 submissions from 2 submitters: Pathogenic (1); Likely pathogenic (1). Last evaluated 2025-06-27.

Conditions:
RHYNS syndrome. Also called: RETINITIS PIGMENTOSA SYNDROME; RETINITIS PIGMENTOSA, HYPOPITUITARISM, NEPHRONOPHTHISIS, AND MILD SKELETAL DYSPLASIA. Identifiers: Orphanet 140976, MedGen C1865794, MONDO:0011202, OMIM 602152.
Nephronophthisis 11 (NPHP11). Identifiers: Orphanet 84081, MedGen C3150796, MONDO:0013302, OMIM 613550.
COACH syndrome 1. Identifiers: Orphanet 1454, MedGen C5435651, MONDO:0800103, OMIM 216360, MONDO:0008996.
Bardet-Biedl syndrome 14 (BBS14). Identifiers: Orphanet 110, MedGen C2673874, MONDO:0014442, OMIM 615991.
Joubert syndrome 6 (JBTS6). Identifiers: Orphanet 475, MedGen C1853153, MONDO:0012539, OMIM 610688.
Meckel syndrome, type 3 (MKS3). Also called: MECKEL-GRUBER SYNDROME, TYPE 3. Identifiers: Orphanet 564, MedGen C1846357, MONDO:0011821, OMIM 607361.

gnomAD v4.1: 1 of 1,545,884 alleles (0.000065%); highest among the groups gnomAD compares: South Asian, 0.0012%; no homozygotes.

Submissions (2):

Dasa
Classification: Pathogenic. Last evaluated: 2025-06-27. Review status: criteria provided, single submitter. Criteria: DASA Assertion Criteria. Collection method: clinical testing. Allele origin: germline.
Comment: NM_153704.6(TMEM67):c.312+1G>A introduces a premature termination codon predicted to result in loss of normal protein function. Loss-of-function is an established mechanism of disease for this gene. This variant results in the same amino acid change as a previously established pathogenic variant. The variant is present at low frequency in population datasets. Based on the available data, this variant is classified as pathogenic.

Fulgent Genetics
Classification: Likely pathogenic for COACH syndrome 1; RHYNS syndrome; Meckel syndrome, type 3; Joubert syndrome 6; Nephronophthisis 11; Bardet-Biedl syndrome 14. Last evaluated: 2024-05-23. Review status: criteria provided, single submitter. Criteria: ACMG Guidelines, 2015. Collection method: clinical testing. Allele origin: germline.

NM_153704.6(TMEM67):c.312+1G>A

Gene: TMEM67 (transmembrane protein 67; plus strand). Cytogenetic location: 8q22.1.
Variant type: single nucleotide variant.
Coding change: c.312+1G>A on transcript NM_153704.6 (MANE Select); the canonical splice donor site of the intron after coding-DNA position 312, G replaced by A.
Molecular consequence: splice donor variant. On other transcripts: intron variant (1).
Genome position (GRCh38, 1-based): chr8:93,755,867, G>A. VCF-style: chr8-93755867-G-A. GRCh37 (hg19) VCF-style: chr8-94768095-G-A.
Other names: c.-62+730G>A (NM_001142301.1).
Identifiers: ClinVar variation 3595953 (VCV003595953.2).